The following is an entry in ClinVar:

ClinVar aggregate classification (germline): Uncertain significance (1 of 4 stars; one submission).

Conditions:
Duchenne muscular dystrophy (DMD). Also called: MUSCULAR DYSTROPHY, PSEUDOHYPERTROPHIC PROGRESSIVE, DUCHENNE TYPE; Duchenne Muscular Dystrophy (DMD). Identifiers: Orphanet 98896, MedGen C0013264, MONDO:0010679, OMIM 310200.

Submission:

Labcorp Genetics (formerly Invitae), Labcorp
Classification: Uncertain significance for Duchenne muscular dystrophy. Last evaluated: 2021-06-30. Review status: criteria provided, single submitter. Criteria: Invitae Variant Classification Sherloc (09022015). Collection method: clinical testing. Allele origin: germline.
Comment: This sequence change replaces alanine with glutamic acid at codon 525 of the DMD protein (p.Ala525Glu). The alanine residue is highly conserved and there is a moderate physicochemical difference between alanine and glutamic acid. This variant is not present in population databases (ExAC no frequency). This variant has not been reported in the literature in individuals with DMD-related conditions. Algorithms developed to predict the effect of missense changes on protein structure and function are either unavailable or do not agree on the potential impact of this missense change (SIFT: "Tolerated"; PolyPhen-2: "Probably Damaging"; Align-GVGD: "Class C0"). In summary, the available evidence is currently insufficient to determine the role of this variant in disease. Therefore, it has been classified as a Variant of Uncertain Significance.

NM_004006.3(DMD):c.1574C>A (p.Ala525Glu)

Gene: DMD (dystrophin; minus strand). Cytogenetic location: Xp21.1.
Variant type: single nucleotide variant.
Coding change: c.1574C>A on transcript NM_004006.3 (MANE Select); coding-DNA position 1574, C replaced by A.
Protein change: p.Ala525Glu; replaces alanine 525 with glutamic acid.
Molecular consequence: missense variant.
Genome position (GRCh38, 1-based): chrX:32,595,785, G>T on the plus strand (C>A on the coding strand, the complement: DMD is on the minus strand). VCF-style: chrX-32595785-G-T. GRCh37 (hg19) VCF-style: chrX-32613902-G-T.
Other names: c.1550C>A, p.Ala517Glu (NM_000109.4); c.1562C>A, p.Ala521Glu (NM_004009.3); c.1205C>A, p.Ala402Glu (NM_004010.3); short protein forms A521E, A402E, A517E, A525E.
Identifiers: ClinVar variation 1348952 (VCV001348952.8), dbSNP rs2149264563, ClinGen allele CA412665367.